The following is an entry in ClinVar:

NM_002907.4(RECQL):c.961T>A (p.Cys321Ser)

Gene: RECQL (RecQ like helicase; minus strand). Cytogenetic location: 12p12.1.
Variant type: single nucleotide variant.
Coding change: c.961T>A on transcript NM_002907.4 (MANE Select); coding-DNA position 961, T replaced by A.
Protein change: p.Cys321Ser; replaces cysteine 321 with serine.
Molecular consequence: missense variant.
Genome position (GRCh38, 1-based): chr12:21,475,813, A>T on the plus strand (T>A on the coding strand, the complement: RECQL is on the minus strand). VCF-style: chr12-21475813-A-T. GRCh37 (hg19) VCF-style: chr12-21628747-A-T.
Other names: c.961T>A, p.Cys321Ser (NM_032941.3); short protein forms C321S.
Identifiers: ClinVar variation 5028048 (VCV005028048.1).

ClinVar aggregate classification (germline): Uncertain significance (1 of 4 stars; one submission).

Submission:

Ambry Genetics
Classification: Uncertain significance. Last evaluated: 2026-07-27. Review status: criteria provided, single submitter. Criteria: Ambry Variant Classification Scheme 2023. Collection method: clinical testing. Allele origin: germline.
Comment: The p.C321S variant (also known as c.961T>A), located in coding exon 8 of the RECQL gene, results from a T to A substitution at nucleotide position 961. The cysteine at codon 321 is replaced by serine, an amino acid with dissimilar properties. This amino acid position is conserved. In addition, the in silico prediction for this alteration is inconclusive. Based on the available evidence, the clinical significance of this variant remains unclear.